The following is an entry in ClinVar:

Conditions:
Long QT syndrome 5 (LQT5). Identifiers: Orphanet 101016, Orphanet 768, MedGen C1867904, MONDO:0013372, OMIM 613695.

Submission:

Roden Lab, Vanderbilt University Medical Center
No classification provided (evidence only). Condition: Long QT syndrome 5. Review status: no classification provided. Collection method: in vitro. Allele origin: not applicable. Functional consequence: Effect on ion channel function.
ClinVar note: "not provided" was previously submitted as the classification for the variant. However, the classification appeared to be based only on an observation of functional data so it was converted to no classification on 2025-07-30.

NM_000219.6(KCNE1):c.348A>C (p.Glu116Asp)

Gene: KCNE1 (potassium voltage-gated channel subfamily E regulatory subunit 1; minus strand). Cytogenetic location: 21q22.12.
Variant type: single nucleotide variant.
Coding change: c.348A>C on transcript NM_000219.6 (MANE Select); coding-DNA position 348, A replaced by C.
Protein change: p.Glu116Asp; replaces glutamic acid 116 with aspartic acid.
Molecular consequence: missense variant.
Genome position (GRCh38, 1-based): chr21:34,449,287, T>G on the plus strand (A>C on the coding strand, the complement: KCNE1 is on the minus strand). VCF-style: chr21-34449287-T-G. GRCh37 (hg19) VCF-style: chr21-35821585-T-G.
Other names: c.348A>C, p.Glu116Asp (NM_001127668.4, NM_001127669.4, NM_001127670.4 and 4 more transcripts); short protein forms E116D.
Identifiers: ClinVar variation 3373788 (VCV003373788.2).